The following is an entry in ClinVar:

ClinVar aggregate classification (germline): Uncertain significance. Review status: criteria provided, multiple submitters, no conflicts (2 of 4 stars). 2 submissions from 2 submitters: Uncertain significance (2). Last evaluated 2024-09-05.

Conditions:
Fanconi anemia (FA). Also called: Fanconi's anemia. Identifiers: Orphanet 84, MedGen C0015625, MeSH D005199, MONDO:0019391.
Inborn genetic diseases. Identifiers: MedGen C0950123, MeSH D030342.

Allele frequency attached by ClinVar (database versions not stated): gnomAD exomes below 0.00001.

Submissions (2):

Labcorp Genetics (formerly Invitae), Labcorp
Classification: Uncertain significance for Fanconi anemia. Last evaluated: 2024-09-05. Review status: criteria provided, single submitter. Criteria: Invitae Variant Classification Sherloc (09022015). Collection method: clinical testing. Allele origin: germline.
Comment: This sequence change replaces lysine, which is basic and polar, with arginine, which is basic and polar, at codon 1491 of the SLX4 protein (p.Lys1491Arg). This variant is not present in population databases (gnomAD no frequency). This variant has not been reported in the literature in individuals affected with SLX4-related conditions. ClinVar contains an entry for this variant (Variation ID: 2512315). An algorithm developed to predict the effect of missense changes on protein structure and function outputs the following: PolyPhen-2: "Benign". The arginine amino acid residue is found in multiple mammalian species, which suggests that this missense change does not adversely affect protein function. In summary, the available evidence is currently insufficient to determine the role of this variant in disease. Therefore, it has been classified as a Variant of Uncertain Significance.

Ambry Genetics
Classification: Uncertain significance for Inborn genetic diseases. Last evaluated: 2023-05-24. Review status: criteria provided, single submitter. Criteria: Ambry Variant Classification Scheme 2023. Collection method: clinical testing. Allele origin: germline.

NM_032444.4(SLX4):c.4472A>G (p.Lys1491Arg)

Gene: SLX4 (SLX4 structure-specific endonuclease subunit; minus strand). Cytogenetic location: 16p13.3.
Variant type: single nucleotide variant.
Coding change: c.4472A>G on transcript NM_032444.4 (MANE Select); coding-DNA position 4472, A replaced by G.
Protein change: p.Lys1491Arg; replaces lysine 1491 with arginine.
Molecular consequence: missense variant.
Genome position (GRCh38, 1-based): chr16:3,589,166, T>C on the plus strand (A>G on the coding strand, the complement: SLX4 is on the minus strand). VCF-style: chr16-3589166-T-C. GRCh37 (hg19) VCF-style: chr16-3639167-T-C.
Other names: short protein forms K1491R.
Identifiers: ClinVar variation 2512315 (VCV002512315.4), dbSNP rs2548210925, ClinGen allele CA394517066.